The following is an entry in ClinVar:

ClinVar aggregate classification (germline): Uncertain significance (1 of 4 stars; one submission).

gnomAD v4.1: 3 of 1,539,190 alleles (0.00019%); highest among the groups gnomAD compares: South Asian, 0.0011%; no homozygotes.

Submission:

Labcorp Genetics (formerly Invitae), Labcorp
Classification: Uncertain significance. Last evaluated: 2022-09-01. Review status: criteria provided, single submitter. Criteria: Invitae Variant Classification Sherloc (09022015). Collection method: clinical testing. Allele origin: germline.
Comment: This sequence change replaces asparagine, which is neutral and polar, with lysine, which is basic and polar, at codon 613 of the IFT81 protein (p.Asn613Lys). This variant is not present in population databases (gnomAD no frequency). ClinVar contains an entry for this variant (Variation ID: 1016250). Algorithms developed to predict the effect of missense changes on protein structure and function (SIFT, PolyPhen-2, Align-GVGD) all suggest that this variant is likely to be tolerated. This variant has not been reported in the literature in individuals affected with IFT81-related conditions. In summary, the available evidence is currently insufficient to determine the role of this variant in disease. Therefore, it has been classified as a Variant of Uncertain Significance.

NM_014055.4(IFT81):c.1839C>A (p.Asn613Lys)

Gene: IFT81 (intraflagellar transport 81; plus strand). Cytogenetic location: 12q24.11.
Variant type: single nucleotide variant.
Coding change: c.1839C>A on transcript NM_014055.4 (MANE Select); coding-DNA position 1839, C replaced by A.
Protein change: p.Asn613Lys; replaces asparagine 613 with lysine.
Molecular consequence: missense variant. On other transcripts: non-coding transcript variant (4).
Genome position (GRCh38, 1-based): chr12:110,209,207, C>A. VCF-style: chr12-110209207-C-A. GRCh37 (hg19) VCF-style: chr12-110647012-C-A.
Other names: c.1839C>A, p.Asn613Lys (NM_001143779.2); c.909C>A, p.Asn303Lys (NM_001347947.2, NM_001347948.2); short protein forms N303K, N613K.
Identifiers: ClinVar variation 1016250 (VCV001016250.8), dbSNP rs1869083068, ClinGen allele CA386910486.